The following is an entry in ClinVar:

ClinVar aggregate classification (germline): Likely benign (1 of 4 stars; one submission).

Conditions:
Breast-ovarian cancer, familial, susceptibility to, 1 (BROVCA1). Also called: OVARIAN CANCER, SUSCEPTIBILITY TO; BRCA1 Hereditary Breast and Ovarian Cancer. Identifiers: Orphanet 145, MedGen C2676676, MONDO:0011450, OMIM 604370. Disease mechanism: loss of function.

gnomAD v4.1: 1 of 1,613,422 alleles (0.000062%); highest among the groups gnomAD compares: Non-Finnish European, 0.000085%; no homozygotes.

Submission:

Cancer Bioinformatics and Tumour Evolution Laboratory, Monash University
Classification: Likely benign for Breast-ovarian cancer, familial, susceptibility to, 1. Last evaluated: 2026-05-01. Review status: criteria provided, single submitter. Criteria: ClinGen BRCA1 and BRCA2 Guidelines, 2024. Collection method: curation. Allele origin: germline. Inheritance: Autosomal dominant inheritance.
Comment: Missense variant outside of a functional domain with no splice impact. BRCA1 and BRCA2 VCEP guidelines recommend application of BP1_Strong (PMID: 39142283). PMID: 39281752 - A large scale study to determine the case-control LR of BRCA1 and BRCA2 variants. The data was consolidated in the ccLR browser. This variant was found in the browser with a LR of 0.697093872 which is in the intermediate range according to the BRCA1 and BRCA2 VCEP. Hence, no evidence code applied.

Literature cited by the submitters: PubMed 39281752.

NM_007294.4(BRCA1):c.2548A>G (p.Ser850Gly)

Gene: BRCA1 (BRCA1 DNA repair associated; minus strand). Cytogenetic location: 17q21.31.
Variant type: single nucleotide variant.
Coding change: c.2548A>G on transcript NM_007294.4 (MANE Select); coding-DNA position 2548, A replaced by G.
Protein change: p.Ser850Gly; replaces serine 850 with glycine.
Molecular consequence: missense variant. On other transcripts: intron variant (137).
Genome position (GRCh38, 1-based): chr17:43,092,983, T>C on the plus strand (A>G on the coding strand, the complement: BRCA1 is on the minus strand). VCF-style: chr17-43092983-T-C. GRCh37 (hg19) VCF-style: chr17-41245000-T-C.
Other names: c.2404A>G, p.Ser802Gly (NM_001407964.1, NM_001407740.1, NM_001407741.1 and 20 more transcripts); c.2044A>G, p.Ser682Gly (NM_001407965.1); c.1660A>G, p.Ser554Gly (NM_001407966.1, NM_001407967.1); c.2407A>G, p.Ser803Gly (NM_007297.4, NM_001407692.1, NM_001407694.1 and 29 more transcripts); c.2548A>G, p.Ser850Gly (NM_007300.4, NM_001407581.1, NM_001407582.1 and 30 more transcripts); c.646+1761A>G (NM_001408458.1, NM_001408469.1, NM_001408453.1 and 11 more transcripts); c.283+1761A>G (NM_001408512.1); c.406+1761A>G (NM_001408510.1); and 41 more; short protein forms S554G, S682G, S722G, S723G, S738G, S739G, S761G, S762G.
Identifiers: ClinVar variation 4856577 (VCV004856577.1).